The following is an entry in ClinVar:

NM_007192.4(SUPT16H):c.625G>T (p.Asp209Tyr)

Gene: SUPT16H (SPT16 homolog, facilitates chromatin remodeling subunit; minus strand). Cytogenetic location: 14q11.2.
Variant type: single nucleotide variant.
Coding change: c.625G>T on transcript NM_007192.4 (MANE Select); coding-DNA position 625, G replaced by T.
Protein change: p.Asp209Tyr; replaces aspartic acid 209 with tyrosine.
Molecular consequence: missense variant.
Genome position (GRCh38, 1-based): chr14:21,369,755, C>A on the plus strand (G>T on the coding strand, the complement: SUPT16H is on the minus strand). VCF-style: chr14-21369755-C-A. GRCh37 (hg19) VCF-style: chr14-21837914-C-A.
Other names: short protein forms D209Y.
Identifiers: ClinVar variation 1804602 (VCV001804602.2), dbSNP rs2501776657, ClinGen allele CA388870984.

ClinVar aggregate classification (germline): Uncertain significance (1 of 4 stars; one submission).

Submission:

GeneDx
Classification: Uncertain significance. Last evaluated: 2024-06-27. Review status: criteria provided, single submitter. Criteria: GeneDx Variant Classification Process June 2021. Collection method: clinical testing. Allele origin: germline.
Comment: Not observed at significant frequency in large population cohorts (gnomAD); In silico analysis supports that this missense variant has a deleterious effect on protein structure/function; Has not been previously published as pathogenic or benign to our knowledge